The following is an entry in ClinVar:

NM_194277.3(FRMD7):c.1897C>T (p.Pro633Ser)

Gene: FRMD7 (FERM domain containing 7; minus strand). Cytogenetic location: Xq26.2.
Variant type: single nucleotide variant.
Coding change: c.1897C>T on transcript NM_194277.3 (MANE Select); coding-DNA position 1897, C replaced by T.
Protein change: p.Pro633Ser; replaces proline 633 with serine.
Molecular consequence: missense variant.
Genome position (GRCh38, 1-based): chrX:132,078,120, G>A on the plus strand (C>T on the coding strand, the complement: FRMD7 is on the minus strand). VCF-style: chrX-132078120-G-A. GRCh37 (hg19) VCF-style: chrX-131212148-G-A.
Other names: c.1852C>T, p.Pro618Ser (NM_001306193.2); short protein forms P618S, P633S.
Identifiers: ClinVar variation 1034484 (VCV001034484.8), dbSNP rs1007286079, ClinGen allele CA335857470.

ClinVar aggregate classification (germline): Uncertain significance (1 of 4 stars; one submission).

Allele frequency attached by ClinVar (database versions not stated): gnomAD exomes below 0.00001; gnomAD 0.00001 and 0.00002.

Submission:

Labcorp Genetics (formerly Invitae), Labcorp
Classification: Uncertain significance. Last evaluated: 2025-03-17. Review status: criteria provided, single submitter. Criteria: Invitae Variant Classification Sherloc (09022015). Collection method: clinical testing. Allele origin: germline.
Comment: This sequence change replaces proline, which is neutral and non-polar, with serine, which is neutral and polar, at codon 633 of the FRMD7 protein (p.Pro633Ser). This variant is present in population databases (no rsID available, gnomAD 0.02%), including at least one homozygous and/or hemizygous individual. This variant has not been reported in the literature in individuals affected with FRMD7-related conditions. ClinVar contains an entry for this variant (Variation ID: 1034484). An algorithm developed to predict the effect of missense changes on protein structure and function (PolyPhen-2) suggests that this variant is likely to be disruptive. In summary, the available evidence is currently insufficient to determine the role of this variant in disease. Therefore, it has been classified as a Variant of Uncertain Significance.